The following is an entry in ClinVar:

ClinVar aggregate classification (germline): Uncertain significance. Review status: criteria provided, multiple submitters, no conflicts (2 of 4 stars). 3 submissions from 3 submitters: Uncertain significance (3). Last evaluated 2022-08-10.

Conditions:
Inborn genetic diseases. Identifiers: MedGen C0950123, MeSH D030342.
Muscular dystrophy-dystroglycanopathy (congenital with impaired intellectual development), type B, 1. Also called: MUSCULAR DYSTROPHY, CONGENITAL, POMT1-RELATED; Muscular dystrophy-dystroglycanopathy (congenital with intellectual disability), type B1. Identifiers: MedGen C5436962, MONDO:0013159, OMIM 613155.
Autosomal recessive limb-girdle muscular dystrophy type 2K. Also called: MUSCULAR DYSTROPHY-DYSTROGLYCANOPATHY (LIMB-GIRDLE), TYPE C, 1; MUSCULAR DYSTROPHY, LIMB-GIRDLE, TYPE 2K. Identifiers: Orphanet 86812, MedGen C1836373, MONDO:0012248, OMIM 609308.
Walker-Warburg congenital muscular dystrophy. Also called: Muscular dystrophy-dystroglycanopathy, type A; Walker-Warburg syndrome. Identifiers: Orphanet 899, MedGen C0265221, MONDO:0000171.

Submissions (3):

Labcorp Genetics (formerly Invitae), Labcorp
Classification: Uncertain significance for Muscular dystrophy-dystroglycanopathy (congenital with impaired intellectual development), type B, 1; Walker-Warburg congenital muscular dystrophy; Autosomal recessive limb-girdle muscular dystrophy type 2K. Last evaluated: 2022-08-10. Review status: criteria provided, single submitter. Criteria: Invitae Variant Classification Sherloc (09022015). Collection method: clinical testing. Allele origin: germline.
Comment: This sequence change replaces histidine, which is basic and polar, with glutamine, which is neutral and polar, at codon 397 of the POMT1 protein (p.His397Gln). This variant is present in population databases (rs35242383, gnomAD 0.004%). This variant has not been reported in the literature in individuals affected with POMT1-related conditions. ClinVar contains an entry for this variant (Variation ID: 1034728). Algorithms developed to predict the effect of missense changes on protein structure and function are either unavailable or do not agree on the potential impact of this missense change (SIFT: "Tolerated"; PolyPhen-2: "Probably Damaging"; Align-GVGD: "Class C0"). In summary, the available evidence is currently insufficient to determine the role of this variant in disease. Therefore, it has been classified as a Variant of Uncertain Significance.

Revvity Omics, Revvity
Classification: Uncertain significance. Last evaluated: 2021-10-20. Review status: criteria provided, single submitter. Criteria: ACMG Guidelines, 2015. Collection method: clinical testing. Allele origin: germline.

Ambry Genetics
Classification: Uncertain significance for Inborn genetic diseases. Last evaluated: 2021-05-25. Review status: criteria provided, single submitter. Criteria: Ambry Variant Classification Scheme 2023. Collection method: clinical testing. Allele origin: germline.

NM_001077365.2(POMT1):c.1125C>G (p.His375Gln)

Gene: POMT1 (protein O-mannosyltransferase 1; plus strand). Cytogenetic location: 9q34.13.
Variant type: single nucleotide variant.
Coding change: c.1125C>G on transcript NM_001077365.2 (MANE Select); coding-DNA position 1125, C replaced by G.
Protein change: p.His375Gln; replaces histidine 375 with glutamine.
Molecular consequence: missense variant. On other transcripts: non-coding transcript variant (10), intron variant (1).
Genome position (GRCh38, 1-based): chr9:131,513,281, C>G. VCF-style: chr9-131513281-C-G. GRCh37 (hg19) VCF-style: chr9-134388668-C-G.
Other names: c.1029C>G, p.His343Gln (NM_001353197.2, NM_001353198.2); c.840C>G, p.His280Gln (NM_001353199.2); c.669C>G, p.His223Gln (NM_001353200.2); c.1113C>G, p.His371Gln (NM_001374689.1); c.1125C>G, p.His375Gln (NM_001374690.1, NM_001136113.2); c.774C>G, p.His258Gln (NM_001374691.1, NM_001374692.1, NM_001136114.2 and 1 more transcripts); c.735C>G, p.His245Gln (NM_001374695.1); c.1191C>G, p.His397Gln (NM_007171.4, NM_001353193.2); and 4 more; short protein forms H345Q, H375Q, H280Q, H371Q, H397Q, H223Q, H245Q, H258Q.
Identifiers: ClinVar variation 1034728 (VCV001034728.9), dbSNP rs35242383, ClinGen allele CA5293543.